The following is an entry in ClinVar:

NM_005816.5(CD96):c.1180+38A>T

Gene: CD96 (CD96 molecule; plus strand). Cytogenetic location: 3q13.2.
Variant type: single nucleotide variant.
Coding change: c.1180+38A>T on transcript NM_005816.5 (MANE Select); 38 bases into the intron after coding-DNA position 1180, A replaced by T.
Molecular consequence: intron variant. On other transcripts: 3 prime UTR variant (1).
Genome position (GRCh38, 1-based): chr3:111,606,830, A>T. VCF-style: chr3-111606830-A-T. GRCh37 (hg19) VCF-style: chr3-111325677-A-T.
Other names: c.*9A>T (NM_001318889.2); c.1228+38A>T (NM_198196.3); c.1180+38A>T (NM_001410800.1).
Identifiers: ClinVar variation 3045654 (VCV003045654.2), dbSNP rs193254047, ClinGen allele CA2534665.
Genomic context (GRCh38, chr3:111,606,830, plus strand): 5'-AGCCAGCAGTGTATCTCCTGCAAGTAAGAATGTTTTCACACTGAGCTATTGATTTAACCA[A>T]GCAGATTGATAACGATAAAATTTCAGCAAACTTGCATCATTCATGCCTGTTTCTTAGCTA-3'

ClinVar aggregate classification (germline): Likely benign (0 of 4 stars; one submission).

Conditions:
CD96-related disorder. Also called: CD96-related condition.

Allele frequency attached by ClinVar (database versions not stated): TOPMed 0.00030; 1000 Genomes Project 30x 0.00031; 1000 Genomes Project 0.00040; gnomAD 0.00044; ESP Exome Variant Server 0.00046; ExAC 0.00056.
gnomAD v4.1: 746 of 1,153,352 alleles (0.065%); highest among the groups gnomAD compares: Non-Finnish European, 0.068%; no homozygotes.

Submission:

PreventionGenetics, part of Exact Sciences
Classification: Likely benign for CD96-related condition. Last evaluated: 2019-03-14. Review status: no assertion criteria provided. Collection method: clinical testing. Allele origin: germline.
Comment: This variant is classified as likely benign based on ACMG/AMP sequence variant interpretation guidelines (Richards et al. 2015 PMID: 25741868, with internal and published modifications).